The following is an entry in ClinVar:

NM_001267550.2(TTN):c.82424C>A (p.Thr27475Lys)

Genes: TTN-AS1 (TTN antisense RNA 1; plus strand), TTN (titin; minus strand). Cytogenetic location: 2q31.2.
Variant type: single nucleotide variant.
Coding change: c.82424C>A on transcript NM_001267550.2 (MANE Select); coding-DNA position 82424, C replaced by A.
Protein change: p.Thr27475Lys; replaces threonine 27475 with lysine.
Molecular consequence: missense variant.
Genome position (GRCh38, 1-based): chr2:178,563,708, G>T on the plus strand (C>A on the coding strand, the complement: TTN is on the minus strand). VCF-style: chr2-178563708-G-T. GRCh37 (hg19) VCF-style: chr2-179428435-G-T.
Other names: c.77501C>A, p.Thr25834Lys (NM_001256850.1); c.55229C>A, p.Thr18410Lys (NM_003319.4); c.74720C>A, p.Thr24907Lys (NM_133378.4); c.55604C>A, p.Thr18535Lys (NM_133432.3); c.55805C>A, p.Thr18602Lys (NM_133437.4); short protein forms T27475K, T18410K, T25834K, T18535K, T18602K, T24907K.
Identifiers: ClinVar variation 535183 (VCV000535183.8), dbSNP rs377169807, ClinGen allele CA1989074.

ClinVar aggregate classification (germline): Uncertain significance. Review status: criteria provided, multiple submitters, no conflicts (2 of 4 stars). 3 submissions from 3 submitters: Uncertain significance (3). Last evaluated 2024-07-17.

Conditions:
Cardiovascular phenotype. Identifiers: MedGen CN230736.
Autosomal recessive limb-girdle muscular dystrophy type 2J (LGMDR10). Also called: Limb-girdle muscular dystrophy, type 2J; MUSCULAR DYSTROPHY, LIMB-GIRDLE, AUTOSOMAL RECESSIVE 10. Identifiers: Orphanet 140922, MedGen C1837342, MONDO:0012127, OMIM 608807.
Dilated cardiomyopathy 1G (CMD1G). Identifiers: Orphanet 154, MedGen C1858763, MONDO:0011400, OMIM 604145.

Allele frequency attached by ClinVar (database versions not stated): gnomAD exomes 0.00002; TOPMed 0.00002; ExAC 0.00003; gnomAD 0.00003; ESP Exome Variant Server 0.00008.
gnomAD v4.1: 80 of 1,613,662 alleles (0.005%); highest among the groups gnomAD compares: Non-Finnish European, 0.0064%; no homozygotes.

Submissions (3):

Revvity Omics, Revvity
Classification: Uncertain significance. Last evaluated: 2024-07-17. Review status: criteria provided, single submitter. Criteria: ACMG Guidelines, 2015. Collection method: clinical testing. Allele origin: germline.

Ambry Genetics
Classification: Uncertain significance for Cardiovascular phenotype. Last evaluated: 2019-04-08. Review status: criteria provided, single submitter. Criteria: Ambry Variant Classification Scheme 2023. Collection method: clinical testing. Allele origin: germline.
Comment: The p.T18410K variant (also known as c.55229C>A), located in coding exon 153 of the TTN gene, results from a C to A substitution at nucleotide position 55229. The threonine at codon 18410 is replaced by lysine, an amino acid with similar properties. This amino acid position is poorly conserved in available vertebrate species. In addition, this alteration is predicted to be benign and unknown by PolyPhen and SIFT in silico analyses, respectively. Since supporting evidence is limited at this time, the clinical significance of this alteration remains unclear.

Labcorp Genetics (formerly Invitae), Labcorp
Classification: Uncertain significance for Dilated cardiomyopathy 1G; Autosomal recessive limb-girdle muscular dystrophy type 2J. Last evaluated: 2017-11-21. Review status: criteria provided, single submitter. Criteria: Invitae Variant Classification Sherloc (09022015). Collection method: clinical testing. Allele origin: germline.